The following is an entry in ClinVar:

NM_003036.4(SKI):c.2183C>T (p.Pro728Leu)

Gene: SKI (SKI proto-oncogene; plus strand). Cytogenetic location: 1p36.32.
Variant type: single nucleotide variant.
Coding change: c.2183C>T on transcript NM_003036.4 (MANE Select); coding-DNA position 2183, C replaced by T.
Protein change: p.Pro728Leu; replaces proline 728 with leucine.
Molecular consequence: missense variant.
Genome position (GRCh38, 1-based): chr1:2,306,761, C>T. VCF-style: chr1-2306761-C-T. GRCh37 (hg19) VCF-style: chr1-2238200-C-T.
Other names: p.P728L:CCG>CTG; short protein forms P728L.
Identifiers: ClinVar variation 213701 (VCV000213701.18), dbSNP rs372950890, ClinGen allele CA320943.

ClinVar aggregate classification (germline): Conflicting classifications of pathogenicity. Review status: criteria provided, conflicting classifications (1 of 4 stars). 4 submissions from 4 submitters: Uncertain significance (1); Likely benign (3). Last evaluated 2025-10-17.

Conditions:
Familial thoracic aortic aneurysm and aortic dissection (TAAD). Also called: Thoracic aortic aneurysms and dissections. Identifiers: Orphanet 91387, MedGen C4707243, MONDO:0019625.
Shprintzen-Goldberg syndrome (SGS). Also called: CRANIOSYNOSTOSIS WITH ARACHNODACTYLY AND ABDOMINAL HERNIAS; Marfanoid disorder with craniosynostosis type 1; Marfanoid craniosynostosis syndrome; Shprintzen-Goldberg marfanoid syndrome; SHPRINTZEN-GOLDBERG CRANIOSYNOSTOSIS SYNDROME. Identifiers: Orphanet 2462, MedGen C1321551, MONDO:0008426, OMIM 182212.

Allele frequency attached by ClinVar (database versions not stated): gnomAD exomes 0.00009; TOPMed 0.00018; gnomAD 0.00023; 1000 Genomes Project 0.00060; 1000 Genomes Project 30x 0.00062.
gnomAD v4.1: 80 of 1,513,748 alleles (0.0053%); highest among the groups gnomAD compares: African/African-American, 0.065%; no homozygotes.

Submissions (4):

Labcorp Genetics (formerly Invitae), Labcorp
Classification: Likely benign for Shprintzen-Goldberg syndrome. Last evaluated: 2025-10-17. Review status: criteria provided, single submitter. Criteria: Invitae Variant Classification Sherloc (09022015). Collection method: clinical testing. Allele origin: germline.

Ambry Genetics
Classification: Likely benign for Familial thoracic aortic aneurysm and aortic dissection. Last evaluated: 2021-10-29. Review status: criteria provided, single submitter. Criteria: Ambry Variant Classification Scheme 2023. Collection method: clinical testing. Allele origin: germline.

GeneDx
Classification: Likely benign. Last evaluated: 2020-04-20. Review status: criteria provided, single submitter. Criteria: GeneDx Variant Classification Process June 2021. Collection method: clinical testing. Allele origin: germline. Affected: yes.
Comment: In silico analysis supports that this missense variant does not alter protein structure/function; This variant is associated with the following publications: (PMID: 16327884)

Fulgent Genetics
Classification: Uncertain significance for Shprintzen-Goldberg syndrome. Last evaluated: 2018-10-31. Review status: criteria provided, single submitter. Criteria: ACMG Guidelines, 2015. Collection method: clinical testing. Allele origin: unknown.

Literature cited by the submitters: PubMed 16327884 (cited by Ambry Genetics).